The following is an entry in ClinVar:

NM_002382.5(MAX):c.333G>A (p.Leu111=)

Gene: MAX (MYC associated transcriptional regulator X; minus strand). Cytogenetic location: 14q23.3.
Variant type: single nucleotide variant.
Coding change: c.333G>A on transcript NM_002382.5 (MANE Select); coding-DNA position 333, G replaced by A.
Protein change: p.Leu111=; no amino-acid change (leucine 111 retained).
Molecular consequence: synonymous variant. On other transcripts: 3 prime UTR variant (12), non-coding transcript variant (7), intron variant (2).
Genome position (GRCh38, 1-based): chr14:65,076,626, C>T on the plus strand (G>A on the coding strand, the complement: MAX is on the minus strand). VCF-style: chr14-65076626-C-T. GRCh37 (hg19) VCF-style: chr14-65543344-C-T.
Other names: c.144G>A, p.Leu48= (NM_001320415.2, NM_001407105.1, NM_001407106.1 and 1 more transcripts); c.333G>A, p.Leu111= (NM_001407094.1); c.306G>A, p.Leu102= (NM_001407095.1, NM_145112.3); c.*106G>A (NM_001407096.1, NM_001407099.1, NM_001407102.1 and 2 more transcripts); c.*122G>A (NM_001407097.1, NM_001407100.1, NM_001407101.1 and 4 more transcripts); c.225G>A, p.Leu75= (NM_001407098.1); c.132G>A, p.Leu44= (NM_001407111.1, NM_001407112.1); c.144+17082G>A (NM_001271069.2); and 1 more.
Identifiers: ClinVar variation 1106272 (VCV001106272.15), dbSNP rs2139741549, ClinGen allele CA390031866.

ClinVar aggregate classification (germline): Conflicting classifications of pathogenicity. Review status: criteria provided, conflicting classifications (1 of 4 stars). 5 submissions from 5 submitters: Uncertain significance (1); Benign (1); Likely benign (3). Last evaluated 2026-06-08.

Conditions:
Hereditary cancer-predisposing syndrome. Also called: Hereditary Cancer Syndrome; Neoplastic Syndromes, Hereditary; Tumor predisposition; Hereditary neoplastic syndrome. Identifiers: Orphanet 140162, MedGen C0027672, MeSH D009386, MONDO:0015356.
Hereditary pheochromocytoma and paraganglioma. Also called: Hereditary paragangliomas and pheochromocytomas; Hereditary pheochromocytoma-paraganglioma; Hereditary Paraganglioma-Pheochromocytoma Syndromes. Identifiers: Orphanet 29072, MedGen C4274332, MONDO:0017366.
Pheochromocytoma. Also called: MAX-Related Hereditary Paraganglioma-Pheochromocytoma Syndrome. Identifiers: Orphanet 29072, MedGen C0031511, MONDO:0008233, OMIM 171300, HP:0002666.

Allele frequency attached by ClinVar (database versions not stated): gnomAD exomes 0.00001.
gnomAD v4.1: 3 of 1,614,166 alleles (0.00019%); highest among the groups gnomAD compares: Non-Finnish European, 0.00025%; no homozygotes.

Submissions (5):

Myriad Genetics, Inc.
Classification: Benign for Pheochromocytoma. Last evaluated: 2026-06-08. Review status: criteria provided, single submitter. Criteria: Myriad Autosomal Dominant, Autosomal Recessive and X-Linked Classification Criteria (2023). Collection method: clinical testing. Allele origin: unknown.
Comment: This variant is considered benign. This variant is a silent/synonymous amino acid change and it is not expected to impact splicing.

Labcorp Genetics (formerly Invitae), Labcorp
Classification: Likely benign for Hereditary pheochromocytoma and paraganglioma. Last evaluated: 2025-11-05. Review status: criteria provided, single submitter. Criteria: Invitae Variant Classification Sherloc (09022015). Collection method: clinical testing. Allele origin: germline.

Blueprint Genetics
Classification: Likely benign. Last evaluated: 2024-01-18. Review status: criteria provided, single submitter. Criteria: ACMG Guidelines, 2015. Collection method: clinical testing. Allele origin: germline.

Ambry Genetics
Classification: Likely benign for Hereditary cancer-predisposing syndrome. Last evaluated: 2023-07-27. Review status: criteria provided, single submitter. Criteria: Ambry Variant Classification Scheme 2023. Collection method: clinical testing. Allele origin: germline.

GeneDx
Classification: Uncertain significance. Last evaluated: 2022-05-12. Review status: criteria provided, single submitter. Criteria: GeneDx Variant Classification Process June 2021. Collection method: clinical testing. Allele origin: germline. Affected: yes.
Comment: Not observed at significant frequency in large population cohorts (gnomAD); In silico analysis supports that this variant does not alter splicing; Has not been previously published as pathogenic or benign to our knowledge